The following is an entry in ClinVar:

ClinVar aggregate classification (germline): Uncertain significance (1 of 4 stars; one submission).

Submission:

Labcorp Genetics (formerly Invitae), Labcorp
Classification: Uncertain significance. Last evaluated: 2023-11-27. Review status: criteria provided, single submitter. Criteria: Invitae Variant Classification Sherloc (09022015). Collection method: clinical testing. Allele origin: germline.
Comment: This sequence change replaces glycine, which is neutral and non-polar, with arginine, which is basic and polar, at codon 715 of the MKL1 protein (p.Gly715Arg). This variant is not present in population databases (gnomAD no frequency). This variant has not been reported in the literature in individuals affected with MKL1-related conditions. An algorithm developed to predict the effect of missense changes on protein structure and function (PolyPhen-2) suggests that this variant is likely to be disruptive. Algorithms developed to predict the effect of sequence changes on RNA splicing suggest that this variant may create or strengthen a splice site. In summary, the available evidence is currently insufficient to determine the role of this variant in disease. Therefore, it has been classified as a Variant of Uncertain Significance.

NM_020831.6(MRTFA):c.2443G>A (p.Gly815Arg)

Gene: MRTFA (myocardin related transcription factor A; minus strand). Cytogenetic location: 22q13.1.
Variant type: single nucleotide variant.
Coding change: c.2443G>A on transcript NM_020831.6 (MANE Select); coding-DNA position 2443, G replaced by A.
Protein change: p.Gly815Arg; replaces glycine 815 with arginine.
Molecular consequence: missense variant.
Genome position (GRCh38, 1-based): chr22:40,417,415, C>T on the plus strand (G>A on the coding strand, the complement: MRTFA is on the minus strand). VCF-style: chr22-40417415-C-T. GRCh37 (hg19) VCF-style: chr22-40813419-C-T.
Other names: c.2143G>A, p.Gly715Arg (NM_001282660.2); c.2293G>A, p.Gly765Arg (NM_001282661.3); c.2443G>A, p.Gly815Arg (NM_001282662.3); c.2248G>A, p.Gly750Arg (NM_001318139.2); short protein forms G750R, G715R, G765R, G815R.
Identifiers: ClinVar variation 2707576 (VCV002707576.3), dbSNP rs762043948, ClinGen allele CA411656035.